The following is an entry in ClinVar:

NM_001271.4(CHD2):c.4110T>A (p.Asp1370Glu)

Gene: CHD2 (chromodomain helicase DNA binding protein 2; plus strand). Cytogenetic location: 15q26.1.
Variant type: single nucleotide variant.
Coding change: c.4110T>A on transcript NM_001271.4 (MANE Select); coding-DNA position 4110, T replaced by A.
Protein change: p.Asp1370Glu; replaces aspartic acid 1370 with glutamic acid.
Molecular consequence: missense variant.
Genome position (GRCh38, 1-based): chr15:93,000,613, T>A. VCF-style: chr15-93000613-T-A. GRCh37 (hg19) VCF-style: chr15-93543843-T-A.
Other names: short protein forms D1370E.
Identifiers: ClinVar variation 4693191 (VCV004693191.1).

ClinVar aggregate classification (germline): Uncertain significance (1 of 4 stars; one submission).

Conditions:
Developmental and epileptic encephalopathy 94 (DEE94). Also called: CHD2-Related Neurodevelopmental Disorders; Epileptic encephalopathy, childhood-onset. Identifiers: Orphanet 1942, Orphanet 2382, MedGen C3809278, MONDO:0014150, OMIM 615369.

Submission:

Labcorp Genetics (formerly Invitae), Labcorp
Classification: Uncertain significance for Developmental and epileptic encephalopathy 94. Last evaluated: 2025-10-05. Review status: criteria provided, single submitter. Criteria: Invitae Variant Classification Sherloc (09022015). Collection method: clinical testing. Allele origin: germline.
Comment: This sequence change replaces aspartic acid, which is acidic and polar, with glutamic acid, which is acidic and polar, at codon 1370 of the CHD2 protein (p.Asp1370Glu). This variant is not present in population databases (gnomAD no frequency). This variant has not been reported in the literature in individuals affected with CHD2-related conditions. Invitae Evidence Modeling of protein sequence and biophysical properties (such as structural, functional, and spatial information, amino acid conservation, physicochemical variation, residue mobility, and thermodynamic stability) indicates that this missense variant is not expected to disrupt CHD2 protein function with a negative predictive value of 95%. In summary, the available evidence is currently insufficient to determine the role of this variant in disease. Therefore, it has been classified as a Variant of Uncertain Significance.